The following is an entry in ClinVar:

NM_000518.4(HBB):c.293A>T (p.His98Leu)

Genes: HBB (hemoglobin subunit beta; minus strand), LOC106099062 (HBB recombination region; plus strand), LOC107133510 (origin of replication at HBB; plus strand). Cytogenetic location: 11p15.4.
Variant type: single nucleotide variant.
Coding change: c.293A>T on transcript NM_000518.4; coding-DNA position 293, A replaced by T.
Protein change: p.His98Leu; replaces histidine 98 with leucine.
Molecular consequence: missense variant (on NM_000518.5).
Genome position (GRCh38, 1-based): chr11:5,226,599, T>A on the plus strand (A>T on the coding strand, the complement: HBB is on the minus strand). VCF-style: chr11-5226599-T-A. GRCh37 (hg19) VCF-style: chr11-5247829-T-A.
Other names: H97L; c.293A>T, p.His98Leu (NM_000518.5); short protein forms H98L.
Identifiers: ClinVar variation 15390 (VCV000015390.4), dbSNP rs33951978, ClinGen allele CA125237.

ClinVar aggregate classification (germline): Likely pathogenic. Review status: criteria provided, single submitter (1 of 4 stars). 3 submissions from 2 submitters: Likely pathogenic (1). 2 of the submissions do not count toward it. Last evaluated 2025-05-22.

Conditions:
Erythrocytosis, familial, 6. Also called: ERYTHROCYTOSIS, BETA-GLOBIN TYPE; POLYCYTHEMIA, BETA-GLOBIN TYPE. Identifiers: MedGen C4693822, MONDO:0054801, OMIM 617980.
HEMOGLOBIN WOOD.

Submissions (3):

ARUP Laboratories, Molecular Genetics and Genomics, ARUP Laboratories
Classification: Likely pathogenic. Last evaluated: 2025-05-22. Review status: criteria provided, single submitter. Criteria: ARUP Molecular Germline Variant Investigation Process 2024. Collection method: clinical testing. Allele origin: germline.
Comment: The Hb Wood variant (HBB: c.293A>T; p.His98Leu, also known as His97Leu when numbered from the mature protein, rs33951978, HbVar ID: 445, ClinVar Variation ID: 15390) is reported in the literature in individuals with erythrocytosis (McClure 2006, HbVar and references therein). This variant is absent from the Genome Aggregation Database (v2.1.1), indicating it is not a common polymorphism. Additionally, other variants at this codon (c.294C>A and c.294C>G, p.His98Gln, Hb Malmo, HbVar ID: 444) have been reported in individuals with erythrocytosis and are considered pathogenic (HbVar and references therein). Computational analyses predict that the p.His98Leu variant is deleterious (REVEL: 0.9), and functional studies showed Hb Wood is a high-oxygen affinity hemoglobin (HbVar and references therein). Based on available information, this variant is considered to be likely pathogenic. References: Link to HbVar database: McClure RF et al. The JAK2 V617F mutation is absent in patients with erythrocytosis due to high oxygen affinity hemoglobin variants. Hemoglobin. 2006;30(4):487-9. PMID: 16987804.

OMIM
Classification: other for HEMOGLOBIN WOOD. Last evaluated: 2017-12-12. Review status: no assertion criteria provided. Collection method: literature only. Allele origin: germline. Not counted in ClinVar's aggregate classification.

OMIM
Classification: Pathogenic for ERYTHROCYTOSIS 6. Last evaluated: 1975-08-19. Review status: no assertion criteria provided. Collection method: literature only. Allele origin: germline. Not counted in ClinVar's aggregate classification.

Literature cited by the submitters: PubMed 1164511 (cited by OMIM).